The following is an entry in ClinVar:

NM_002661.5(PLCG2):c.400A>G (p.Met134Val)

Gene: PLCG2 (phospholipase C gamma 2; plus strand). Cytogenetic location: 16q23.3.
Variant type: single nucleotide variant.
Coding change: c.400A>G on transcript NM_002661.5 (MANE Select); coding-DNA position 400, A replaced by G.
Protein change: p.Met134Val; replaces methionine 134 with valine.
Molecular consequence: missense variant.
Genome position (GRCh38, 1-based): chr16:81,858,325, A>G. VCF-style: chr16-81858325-A-G. GRCh37 (hg19) VCF-style: chr16-81891930-A-G.
Other names: c.400A>G, p.Met134Val (NM_001425749.1, NM_001425750.1, NM_001425751.1); short protein forms M134V.
Identifiers: ClinVar variation 3698620 (VCV003698620.2).

ClinVar aggregate classification (germline): Uncertain significance (1 of 4 stars; one submission).

Conditions:
Familial cold autoinflammatory syndrome 3 (FCAS3). Also called: FAMILIAL ATYPICAL COLD URTICARIA; ANTIBODY DEFICIENCY AND IMMUNE DYSREGULATION, PLCG2-ASSOCIATED. Identifiers: Orphanet 300359, MedGen C3280914, MONDO:0013766, OMIM 614468.

Submission:

Labcorp Genetics (formerly Invitae), Labcorp
Classification: Uncertain significance for Familial cold autoinflammatory syndrome 3. Last evaluated: 2025-08-18. Review status: criteria provided, single submitter. Criteria: Invitae Variant Classification Sherloc (09022015). Collection method: clinical testing. Allele origin: germline.
Comment: This sequence change replaces methionine, which is neutral and non-polar, with valine, which is neutral and non-polar, at codon 134 of the PLCG2 protein (p.Met134Val). This variant is not present in population databases (gnomAD no frequency). This variant has not been reported in the literature in individuals affected with PLCG2-related conditions. ClinVar contains an entry for this variant (Variation ID: 3698620). An algorithm developed to predict the effect of missense changes on protein structure and function outputs the following: PolyPhen-2: "Benign". The valine amino acid residue is found in multiple mammalian species, which suggests that this missense change does not adversely affect protein function. In summary, the available evidence is currently insufficient to determine the role of this variant in disease. Therefore, it has been classified as a Variant of Uncertain Significance.